The following is an entry in ClinVar:

ClinVar aggregate classification (germline): Uncertain significance (1 of 4 stars; one submission).

Submission:

Labcorp Genetics (formerly Invitae), Labcorp
Classification: Uncertain significance. Last evaluated: 2022-10-08. Review status: criteria provided, single submitter. Criteria: Invitae Variant Classification Sherloc (09022015). Collection method: clinical testing. Allele origin: germline.
Comment: In summary, the available evidence is currently insufficient to determine the role of this variant in disease. Therefore, it has been classified as a Variant of Uncertain Significance. Advanced modeling of protein sequence and biophysical properties (such as structural, functional, and spatial information, amino acid conservation, physicochemical variation, residue mobility, and thermodynamic stability) performed at Invitae indicates that this missense variant is not expected to disrupt LZTS1 protein function. This variant has not been reported in the literature in individuals affected with LZTS1-related conditions. This variant is not present in population databases (gnomAD no frequency). This sequence change replaces cysteine, which is neutral and slightly polar, with serine, which is neutral and polar, at codon 302 of the LZTS1 protein (p.Cys302Ser).

NM_021020.5(LZTS1):c.905G>C (p.Cys302Ser)

Gene: LZTS1 (leucine zipper tumor suppressor 1; minus strand). Cytogenetic location: 8p21.3.
Variant type: single nucleotide variant.
Coding change: c.905G>C on transcript NM_021020.5 (MANE Select); coding-DNA position 905, G replaced by C.
Protein change: p.Cys302Ser; replaces cysteine 302 with serine.
Molecular consequence: missense variant.
Genome position (GRCh38, 1-based): chr8:20,253,026, C>G on the plus strand (G>C on the coding strand, the complement: LZTS1 is on the minus strand). VCF-style: chr8-20253026-C-G. GRCh37 (hg19) VCF-style: chr8-20110537-C-G.
Other names: c.905G>C, p.Cys302Ser (NM_001362884.2); short protein forms C302S.
Identifiers: ClinVar variation 2034735 (VCV002034735.4), dbSNP rs755459303, ClinGen allele CA370477289.